The following is an entry in ClinVar:

NM_007126.5(VCP):c.541G>A (p.Val181Met)

Gene: VCP (valosin containing protein; minus strand). Cytogenetic location: 9p13.3.
Variant type: single nucleotide variant.
Coding change: c.541G>A on transcript NM_007126.5 (MANE Select); coding-DNA position 541, G replaced by A.
Protein change: p.Val181Met; replaces valine 181 with methionine.
Molecular consequence: missense variant.
Genome position (GRCh38, 1-based): chr9:35,065,286, C>T on the plus strand (G>A on the coding strand, the complement: VCP is on the minus strand). VCF-style: chr9-35065286-C-T. GRCh37 (hg19) VCF-style: chr9-35065283-C-T.
Other names: c.406G>A, p.Val136Met (NM_001354927.2, NM_001354928.2); short protein forms V181M, V136M.
Identifiers: ClinVar variation 4783263 (VCV004783263.1).

ClinVar aggregate classification (germline): Uncertain significance (1 of 4 stars; one submission).

Conditions:
Inclusion body myopathy with Paget disease of bone and frontotemporal dementia. Also called: Inclusion body myopathy with early-onset Paget disease and frontotemporal dementia. Identifiers: Orphanet 52430, MedGen C1833662, MONDO:0000507.
Frontotemporal dementia and/or amyotrophic lateral sclerosis 6 (FTDALS6). Also called: VCP-Related Amyotrophic Lateral Sclerosis; VCP-Related Amyotrophic Lateral Sclerosis/Frontotemporal Dementia. Identifiers: Orphanet 275872, Orphanet 803, MedGen C5436279, MONDO:0013501, OMIM 613954.

Submission:

Labcorp Genetics (formerly Invitae), Labcorp
Classification: Uncertain significance for Inclusion body myopathy with Paget disease of bone and frontotemporal dementia; Frontotemporal dementia and/or amyotrophic lateral sclerosis 6. Last evaluated: 2025-04-26. Review status: criteria provided, single submitter. Criteria: Invitae Variant Classification Sherloc (09022015). Collection method: clinical testing. Allele origin: germline.
Comment: This sequence change replaces valine, which is neutral and non-polar, with methionine, which is neutral and non-polar, at codon 181 of the VCP protein (p.Val181Met). This variant is not present in population databases (gnomAD no frequency). This variant has not been reported in the literature in individuals affected with VCP-related conditions. Invitae Evidence Modeling of protein sequence and biophysical properties (such as structural, functional, and spatial information, amino acid conservation, physicochemical variation, residue mobility, and thermodynamic stability) indicates that this missense variant is not expected to disrupt VCP protein function with a negative predictive value of 80%. In summary, the available evidence is currently insufficient to determine the role of this variant in disease. Therefore, it has been classified as a Variant of Uncertain Significance.